The following is an entry in ClinVar:

NM_000083.3(CLCN1):c.712A>G (p.Ile238Val)

Gene: CLCN1 (chloride voltage-gated channel 1; plus strand). Cytogenetic location: 7q34.
Variant type: single nucleotide variant.
Coding change: c.712A>G on transcript NM_000083.3 (MANE Select); coding-DNA position 712, A replaced by G.
Protein change: p.Ile238Val; replaces isoleucine 238 with valine.
Molecular consequence: missense variant. On other transcripts: non-coding transcript variant (1).
Genome position (GRCh38, 1-based): chr7:143,323,324, A>G. VCF-style: chr7-143323324-A-G. GRCh37 (hg19) VCF-style: chr7-143020417-A-G.
Other names: short protein forms I238V.
Identifiers: ClinVar variation 1356988 (VCV001356988.6), dbSNP rs765718767, ClinGen allele CA4537060.

ClinVar aggregate classification (germline): Uncertain significance (1 of 4 stars; one submission).

Conditions:
Congenital myotonia, autosomal recessive form. Also called: BECKER DISEASE; Becker Generalized Myotonia; myotonia congenita, autosomal recessive. Identifiers: Orphanet 614, MedGen C0751360, MONDO:0009715, OMIM 255700.
Congenital myotonia, autosomal dominant form (THD). Also called: THOMSEN DISEASE; Myotonia congenita autosomal dominant. Identifiers: Orphanet 614, MedGen C2936781, MONDO:0008055, OMIM 160800.

gnomAD v4.1: 2 of 1,612,466 alleles (0.00012%); highest among the groups gnomAD compares: Middle Eastern, 0.017%; no homozygotes.

Submission:

Labcorp Genetics (formerly Invitae), Labcorp
Classification: Uncertain significance for Congenital myotonia, autosomal recessive form; Congenital myotonia, autosomal dominant form. Last evaluated: 2022-07-06. Review status: criteria provided, single submitter. Criteria: Invitae Variant Classification Sherloc (09022015). Collection method: clinical testing. Allele origin: germline.
Comment: Algorithms developed to predict the effect of missense changes on protein structure and function are either unavailable or do not agree on the potential impact of this missense change (SIFT: "Tolerated"; PolyPhen-2: "Possibly Damaging"; Align-GVGD: "Class C0"). ClinVar contains an entry for this variant (Variation ID: 1356988). This variant has not been reported in the literature in individuals affected with CLCN1-related conditions. This variant is not present in population databases (gnomAD no frequency). This sequence change replaces isoleucine, which is neutral and non-polar, with valine, which is neutral and non-polar, at codon 238 of the CLCN1 protein (p.Ile238Val). In summary, the available evidence is currently insufficient to determine the role of this variant in disease. Therefore, it has been classified as a Variant of Uncertain Significance.